The following is an entry in ClinVar:

NM_003476.5(CSRP3):c.5C>A (p.Pro2Gln)

Gene: CSRP3 (cysteine and glycine rich protein 3; minus strand). Cytogenetic location: 11p15.1.
Variant type: single nucleotide variant.
Coding change: c.5C>A on transcript NM_003476.5 (MANE Select); coding-DNA position 5, C replaced by A.
Protein change: p.Pro2Gln; replaces proline 2 with glutamine.
Molecular consequence: missense variant.
Genome position (GRCh38, 1-based): chr11:19,192,444, G>T on the plus strand (C>A on the coding strand, the complement: CSRP3 is on the minus strand). VCF-style: chr11-19192444-G-T. GRCh37 (hg19) VCF-style: chr11-19213991-G-T.
Other names: c.5C>A, p.Pro2Gln (NM_001127656.1, NM_001369404.1); short protein forms P2Q.
Identifiers: ClinVar variation 2064029 (VCV002064029.4), dbSNP rs762730416, ClinGen allele CA5916691.

ClinVar aggregate classification (germline): Uncertain significance (1 of 4 stars; one submission).

Conditions:
Dilated cardiomyopathy 1M (CMD1M). Identifiers: Orphanet 154, MedGen C1843808, MONDO:0011840, OMIM 607482.
Hypertrophic cardiomyopathy 12. Identifiers: MedGen C2677491, MONDO:0012804, OMIM 612124.

Allele frequency attached by ClinVar (database versions not stated): gnomAD exomes below 0.00001; ExAC 0.00001; TOPMed 0.00001.
gnomAD v4.1: 3 of 1,613,832 alleles (0.00019%); highest among the groups gnomAD compares: Non-Finnish European, 0.00025%; no homozygotes.

Submission:

Labcorp Genetics (formerly Invitae), Labcorp
Classification: Uncertain significance for Hypertrophic cardiomyopathy 12; Dilated cardiomyopathy 1M. Last evaluated: 2023-09-28. Review status: criteria provided, single submitter. Criteria: Invitae Variant Classification Sherloc (09022015). Collection method: clinical testing. Allele origin: germline.
Comment: An algorithm developed to predict the effect of missense changes on protein structure and function (PolyPhen-2) suggests that this variant is likely to be disruptive. In summary, the available evidence is currently insufficient to determine the role of this variant in disease. Therefore, it has been classified as a Variant of Uncertain Significance. ClinVar contains an entry for this variant (Variation ID: 2064029). This variant has not been reported in the literature in individuals affected with CSRP3-related conditions. This variant is present in population databases (rs762730416, gnomAD 0.0009%). This sequence change replaces proline, which is neutral and non-polar, with glutamine, which is neutral and polar, at codon 2 of the CSRP3 protein (p.Pro2Gln).